The following is an entry in ClinVar:

NM_021927.3(GUF1):c.2006A>C (p.Lys669Thr)

Gene: GUF1 (GTP binding elongation factor GUF1; plus strand). Cytogenetic location: 4p12.
Variant type: single nucleotide variant.
Coding change: c.2006A>C on transcript NM_021927.3 (MANE Select); coding-DNA position 2006, A replaced by C.
Protein change: p.Lys669Thr; replaces lysine 669 with threonine.
Molecular consequence: missense variant.
Genome position (GRCh38, 1-based): chr4:44,698,677, A>C. VCF-style: chr4-44698677-A-C. GRCh37 (hg19) VCF-style: chr4-44700694-A-C.
Other names: c.1034A>C, p.Lys345Thr (NM_001345867.2, NM_001345869.2); c.1886A>C, p.Lys629Thr (NM_001345868.2); short protein forms K669T, K345T, K629T.
Identifiers: ClinVar variation 2996018 (VCV002996018.3), dbSNP rs1465457553, ClinGen allele CA356765761.

ClinVar aggregate classification (germline): Uncertain significance (1 of 4 stars; one submission).

Allele frequency attached by ClinVar (database versions not stated): gnomAD 0.00001; TOPMed 0.00001; gnomAD exomes 0.00003.

Submission:

Labcorp Genetics (formerly Invitae), Labcorp
Classification: Uncertain significance. Last evaluated: 2024-08-13. Review status: criteria provided, single submitter. Criteria: Invitae Variant Classification Sherloc (09022015). Collection method: clinical testing. Allele origin: germline.
Comment: This sequence change replaces lysine, which is basic and polar, with threonine, which is neutral and polar, at codon 669 of the GUF1 protein (p.Lys669Thr). This variant is not present in population databases (gnomAD no frequency). This variant has not been reported in the literature in individuals affected with GUF1-related conditions. An algorithm developed to predict the effect of missense changes on protein structure and function (PolyPhen-2) suggests that this variant is likely to be disruptive. Algorithms developed to predict the effect of sequence changes on RNA splicing suggest that this variant may create or strengthen a splice site. In summary, the available evidence is currently insufficient to determine the role of this variant in disease. Therefore, it has been classified as a Variant of Uncertain Significance.